The following is an entry in ClinVar:

ClinVar aggregate classification (germline): Uncertain significance. Review status: criteria provided, multiple submitters, no conflicts (2 of 4 stars). 2 submissions from 2 submitters: Uncertain significance (2). Last evaluated 2026-01-05.

Conditions:
Gorlin syndrome. Also called: Nevoid Basal Cell Carcinoma Syndrome; Basal cell nevus syndrome. Identifiers: Orphanet 377, MedGen C0004779, MONDO:0007187.
Medulloblastoma (MDB). Also called: MEDULLOBLASTOMA PREDISPOSITION SYNDROME; Medulloblastoma, somatic. Identifiers: Orphanet 616, MedGen C0025149, MeSH D008527, MONDO:0007959, OMIM 155255, HP:0002885.
Hereditary cancer-predisposing syndrome. Also called: Hereditary neoplastic syndrome; Tumor predisposition; Neoplastic Syndromes, Hereditary; Hereditary Cancer Syndrome. Identifiers: Orphanet 140162, MedGen C0027672, MeSH D009386, MONDO:0015356.

Allele frequency attached by ClinVar (database versions not stated): gnomAD exomes below 0.00001.
gnomAD v4.1: 2 of 1,614,222 alleles (0.00012%); highest among the groups gnomAD compares: South Asian, 0.0022%; no homozygotes.

Submissions (2):

Labcorp Genetics (formerly Invitae), Labcorp
Classification: Uncertain significance for Gorlin syndrome; Medulloblastoma. Last evaluated: 2026-01-05. Review status: criteria provided, single submitter. Criteria: Invitae Variant Classification Sherloc (09022015). Collection method: clinical testing. Allele origin: germline.
Comment: This sequence change replaces glutamine, which is neutral and polar, with histidine, which is basic and polar, at codon 189 of the SUFU protein (p.Gln189His). This variant is not present in population databases (gnomAD no frequency). This variant has not been reported in the literature in individuals affected with SUFU-related conditions. ClinVar contains an entry for this variant (Variation ID: 2452618). Invitae Evidence Modeling of protein sequence and biophysical properties (such as structural, functional, and spatial information, amino acid conservation, physicochemical variation, residue mobility, and thermodynamic stability) indicates that this missense variant is not expected to disrupt SUFU protein function with a negative predictive value of 80%. In summary, the available evidence is currently insufficient to determine the role of this variant in disease. Therefore, it has been classified as a Variant of Uncertain Significance.

Ambry Genetics
Classification: Uncertain significance for Hereditary cancer-predisposing syndrome. Last evaluated: 2023-02-23. Review status: criteria provided, single submitter. Criteria: Ambry Variant Classification Scheme 2023. Collection method: clinical testing. Allele origin: germline.
Comment: The p.Q189H variant (also known as c.567G>T), located in coding exon 4 of the SUFU gene, results from a G to T substitution at nucleotide position 567. The glutamine at codon 189 is replaced by histidine, an amino acid with highly similar properties. This amino acid position is conserved. In addition, this alteration is predicted to be tolerated by in silico analysis. Since supporting evidence is limited at this time, the clinical significance of this alteration remains unclear.

NM_016169.4(SUFU):c.567G>T (p.Gln189His)

Gene: SUFU (SUFU negative regulator of hedgehog signaling; plus strand). Cytogenetic location: 10q24.32.
Variant type: single nucleotide variant.
Coding change: c.567G>T on transcript NM_016169.4 (MANE Select); coding-DNA position 567, G replaced by T.
Protein change: p.Gln189His; replaces glutamine 189 with histidine.
Molecular consequence: missense variant.
Genome position (GRCh38, 1-based): chr10:102,592,694, G>T. VCF-style: chr10-102592694-G-T. GRCh37 (hg19) VCF-style: chr10-104352451-G-T.
Other names: c.567G>T, p.Gln189His (NM_001178133.2); short protein forms Q189H.
Identifiers: ClinVar variation 2452618 (VCV002452618.4), dbSNP rs2135867246, ClinGen allele CA377908608.